The following is an entry in ClinVar:

ClinVar aggregate classification (germline): Uncertain significance (1 of 4 stars; one submission).

Conditions:
Cardiovascular phenotype. Identifiers: MedGen CN230736.

Allele frequency attached by ClinVar (database versions not stated): ExAC 0.00001; gnomAD exomes 0.00001.

Submission:

Ambry Genetics
Classification: Uncertain significance for Cardiovascular phenotype. Last evaluated: 2022-10-03. Review status: criteria provided, single submitter. Criteria: Ambry Variant Classification Scheme 2023. Collection method: clinical testing. Allele origin: germline.
Comment: The p.M162I variant (also known as c.486G>A), located in coding exon 4 of the SCN3B gene, results from a G to A substitution at nucleotide position 486. The methionine at codon 162 is replaced by isoleucine, an amino acid with highly similar properties. This amino acid position is conserved. In addition, this alteration is predicted to be deleterious by in silico analysis. Since supporting evidence is limited at this time, the clinical significance of this alteration remains unclear.

NM_001040151.2(SCN3B):c.486G>A (p.Met162Ile)

Gene: SCN3B (sodium voltage-gated channel beta subunit 3; minus strand). Cytogenetic location: 11q24.1.
Variant type: single nucleotide variant.
Coding change: c.486G>A on transcript NM_001040151.2 (MANE Select); coding-DNA position 486, G replaced by A.
Protein change: p.Met162Ile; replaces methionine 162 with isoleucine.
Molecular consequence: missense variant.
Genome position (GRCh38, 1-based): chr11:123,638,284, C>T on the plus strand (G>A on the coding strand, the complement: SCN3B is on the minus strand). VCF-style: chr11-123638284-C-T. GRCh37 (hg19) VCF-style: chr11-123508992-C-T.
Other names: c.486G>A, p.Met162Ile (NM_018400.4); short protein forms M162I.
Identifiers: ClinVar variation 1743697 (VCV001743697.2), dbSNP rs753068381, ClinGen allele CA6334000.